The following is an entry in ClinVar:

NM_014946.4(SPAST):c.1775T>A (p.Ile592Lys)

Gene: SPAST (spastin; plus strand). Cytogenetic location: 2p22.3.
Variant type: single nucleotide variant.
Coding change: c.1775T>A on transcript NM_014946.4 (MANE Select); coding-DNA position 1775, T replaced by A.
Protein change: p.Ile592Lys; replaces isoleucine 592 with lysine.
Molecular consequence: missense variant. On other transcripts: 3 prime UTR variant (1).
Genome position (GRCh38, 1-based): chr2:32,154,420, T>A. VCF-style: chr2-32154420-T-A. GRCh37 (hg19) VCF-style: chr2-32379489-T-A.
Other names: c.1772T>A, p.Ile591Lys (NM_001363823.2); c.1676T>A, p.Ile559Lys (NM_001363875.2); c.*48T>A (NM_001377959.1); c.1679T>A, p.Ile560Lys (NM_199436.2); short protein forms I592K, I559K, I591K, I560K.
Identifiers: ClinVar variation 536446 (VCV000536446.37), dbSNP rs1553321237, ClinGen allele CA346505617.

ClinVar aggregate classification (germline): Pathogenic/Likely pathogenic. Review status: criteria provided, multiple submitters, no conflicts (2 of 4 stars). 4 submissions from 4 submitters: Pathogenic (2); Likely pathogenic (1). 1 of the submissions does not count toward it. Last evaluated 2021-04-15.

Conditions:
Hereditary spastic paraplegia 4. Also called: Spastic Paraplegia 4; Familial spastic paraplegia autosomal dominant 2; Spastic paraplegia 4, autosomal dominant. Identifiers: Orphanet 100985, MedGen C1866855, MONDO:0008438, OMIM 182601.

Submissions (4):

Labcorp Genetics (formerly Invitae), Labcorp
Classification: Pathogenic for Hereditary spastic paraplegia 4. Last evaluated: 2021-04-15. Review status: criteria provided, single submitter. Criteria: Invitae Variant Classification Sherloc (09022015). Collection method: clinical testing. Allele origin: germline.
Comment: This sequence change replaces isoleucine with lysine at codon 592 of the SPAST protein (p.Ile592Lys). The isoleucine residue is highly conserved and there is a moderate physicochemical difference between isoleucine and lysine. This variant is not present in population databases (ExAC no frequency). This variant has been observed in individual(s) with hereditary spastic paraplegia (PMID: 31157359, Invitae). In at least one individual the variant was observed to be de novo. ClinVar contains an entry for this variant (Variation ID: 536446). Algorithms developed to predict the effect of missense changes on protein structure and function (SIFT, PolyPhen-2, Align-GVGD) all suggest that this variant is likely to be disruptive, but these predictions have not been confirmed by published functional studies and their clinical significance is uncertain. For these reasons, this variant has been classified as Pathogenic.

Mayo Clinic Laboratories, Mayo Clinic
Classification: Likely pathogenic. Last evaluated: 2020-02-07. Review status: criteria provided, single submitter. Criteria: ACMG Guidelines, 2015. Collection method: clinical testing. Allele origin: germline. Observed: 1 variant allele.
Comment: PM1, PM2, PM6, PP3

GeneDx
Classification: Pathogenic. Last evaluated: 2019-06-20. Review status: criteria provided, single submitter. Criteria: GeneDx Variant Classification Process June 2021. Collection method: clinical testing. Allele origin: germline. Affected: yes.
Comment: Has not been previously published as pathogenic or benign to our knowledge; Not observed in large population cohorts (Lek et al., 2016); In silico analysis, which includes protein predictors and evolutionary conservation, supports a deleterious effect; This variant is associated with the following publications: (PMID: 31157359)

Developmental and Behavioral Pediatrics, First Affiliated Hospital of Jilin University
Classification: Likely pathogenic for Hereditary spastic paraplegia 4. Review status: no assertion criteria provided. Collection method: provider interpretation. Allele origin: de novo. Inheritance: Autosomal dominant inheritance. Affected: yes. Not counted in ClinVar's aggregate classification.

Literature cited by the submitters: PubMed 31157359 (cited by Labcorp Genetics (formerly Invitae), Labcorp and Mayo Clinic Laboratories, Mayo Clinic); PubMed 30476002 (cited by Mayo Clinic Laboratories, Mayo Clinic).